The following is an entry in ClinVar:

NM_001035.3(RYR2):c.11570A>G (p.Tyr3857Cys)

Gene: RYR2 (ryanodine receptor 2; plus strand). Cytogenetic location: 1q43.
Variant type: single nucleotide variant.
Coding change: c.11570A>G on transcript NM_001035.3 (MANE Select); coding-DNA position 11570, A replaced by G.
Protein change: p.Tyr3857Cys; replaces tyrosine 3857 with cysteine.
Molecular consequence: missense variant.
Genome position (GRCh38, 1-based): chr1:237,772,024, A>G. VCF-style: chr1-237772024-A-G. GRCh37 (hg19) VCF-style: chr1-237935324-A-G.
Other names: p.Y3857C:TAT>TGT; c.11570A>G, p.Tyr3857Cys (LRG_402t1); short protein forms Y3857C.
Identifiers: ClinVar variation 155833 (VCV000155833.2), dbSNP rs587782975, ClinGen allele CA007077.

ClinVar aggregate classification (germline): Uncertain significance (1 of 4 stars; one submission).

Allele frequency attached by ClinVar (database versions not stated): gnomAD exomes below 0.00001.
gnomAD v4.1: 3 of 1,528,798 alleles (0.0002%); highest among the groups gnomAD compares: Non-Finnish European, 0.00018%; no homozygotes.

Submission:

GeneDx
Classification: Uncertain significance. Last evaluated: 2017-08-11. Review status: criteria provided, single submitter. Criteria: GeneDx Variant Classification (06012015). Collection method: clinical testing. Allele origin: germline. Affected: yes.
Comment: A variant of uncertain significance has been identified in the RYR2 gene. The Y3857C variant has not been published as pathogenic or been reported as benign to our knowledge. This variant is not observed in large population cohorts (Lek et al., 2016; 1000 Genomes Consortium et al., 2015; Exome Variant Server). The Y3857C variant is a non-conservative amino acid substitution, which is likely to impact secondary protein structure as these residues differ in polarity, charge, size and/or other properties.This substitution occurs at a position that is conserved among mammals and, in silico analysis predicts this variant is probably damaging to the protein structure/function. Nevertheless, additional evidence such as functional studies, publication in a peer reviewed journal or curated database, or conclusive segregation data is needed to determine if this variant is pathogenic or benign.